The following is an entry in ClinVar:

ClinVar aggregate classification (germline): Uncertain significance. Review status: criteria provided, multiple submitters, no conflicts (2 of 4 stars). 3 submissions from 3 submitters: Uncertain significance (3). Last evaluated 2025-08-26.

Allele frequency attached by ClinVar (database versions not stated): TOPMed 0.00001; gnomAD 0.00003; ExAC 0.00009; gnomAD exomes 0.00010.

Submissions (3):

Labcorp Genetics (formerly Invitae), Labcorp
Classification: Uncertain significance. Last evaluated: 2025-08-26. Review status: criteria provided, single submitter. Criteria: Invitae Variant Classification Sherloc (09022015). Collection method: clinical testing. Allele origin: germline.
Comment: This sequence change creates a premature translational stop signal (p.Gln100*) in the ELMOD3 gene. It is expected to result in an absent or disrupted protein product. However, the current clinical and genetic evidence is not sufficient to establish whether loss-of-function variants in ELMOD3 cause disease. This variant is present in population databases (rs753265000, gnomAD 0.08%), and has an allele count higher than expected for a pathogenic variant. This variant has not been reported in the literature in individuals affected with ELMOD3-related conditions. ClinVar contains an entry for this variant (Variation ID: 1301578). Algorithms developed to predict the effect of sequence changes on RNA splicing suggest that this variant may disrupt the consensus splice site. In summary, the available evidence is currently insufficient to determine the role of this variant in disease. Therefore, it has been classified as a Variant of Uncertain Significance.

Women's Health and Genetics/Laboratory Corporation of America, LabCorp
Classification: Uncertain significance. Last evaluated: 2022-09-12. Review status: criteria provided, single submitter. Criteria: LabCorp Variant Classification Summary - May 2015. Collection method: clinical testing. Allele origin: germline.
Comment: Variant summary: ELMOD3 c.298C>T (p.Gln100X) results in a premature termination codon, predicted to cause a truncation of the encoded protein or absence of the protein due to nonsense mediated decay, which are commonly known mechanisms for disease. Truncations downstream of this position have been classified as pathogenic by our laboratory. The variant allele was found at a frequency of 9.6e-05 in 251118 control chromosomes. This frequency is not significantly higher than expected for a pathogenic variant in ELMOD3 causing ELMOD3-Related Disorder (9.6e-05 vs ND), allowing no conclusion about variant significance. To our knowledge, no occurrence of c.298C>T in individuals affected with ELMOD3-Related Disorder and no experimental evidence demonstrating its impact on protein function have been reported. One clinical diagnostic laboratory has submitted clinical-significance assessments for this variant to ClinVar after 2014 without evidence for independent evaluation and classified the variant as uncertain significance. Based on the evidence outlined above, the variant was classified as uncertain significance.

Dubai Health Genomic Medicine Center, Dubai Health
Classification: Uncertain significance. Last evaluated: 2020-01-06. Review status: criteria provided, single submitter. Criteria: ACMG Guidelines, 2015. Collection method: clinical testing. Allele origin: germline. Affected: yes.

NM_001135022.2(ELMOD3):c.298C>T (p.Gln100Ter)

Gene: ELMOD3 (ELMO domain containing 3; plus strand). Cytogenetic location: 2p11.2.
Variant type: single nucleotide variant.
Coding change: c.298C>T on transcript NM_001135022.2 (MANE Select); coding-DNA position 298, C replaced by T.
Protein change: p.Gln100Ter; replaces glutamine 100 with a stop codon.
Molecular consequence: nonsense. On other transcripts: non-coding transcript variant (3).
Genome position (GRCh38, 1-based): chr2:85,369,768, C>T. VCF-style: chr2-85369768-C-T. GRCh37 (hg19) VCF-style: chr2-85596891-C-T.
Other names: c.298C>T, p.Gln100Ter (NM_001135021.2, NM_001135023.2, NM_001329791.2 and 2 more transcripts); short protein forms Q100*.
Identifiers: ClinVar variation 1301578 (VCV001301578.6), dbSNP rs753265000, ClinGen allele CA1740291.